The following is an entry in ClinVar:

NM_001377142.1(PLCB4):c.448C>G (p.His150Asp)

Gene: PLCB4 (phospholipase C beta 4; plus strand). Cytogenetic location: 20p12.2.
Variant type: single nucleotide variant.
Coding change: c.448C>G on transcript NM_001377142.1 (MANE Select); coding-DNA position 448, C replaced by G.
Protein change: p.His150Asp; replaces histidine 150 with aspartic acid.
Molecular consequence: missense variant.
Genome position (GRCh38, 1-based): chr20:9,362,974, C>G. VCF-style: chr20-9362974-C-G. GRCh37 (hg19) VCF-style: chr20-9343621-C-G.
Other names: c.448C>G, p.His150Asp (NM_000933.4, NM_001172646.2, NM_001377134.2 and 4 more transcripts); short protein forms H150D.
Identifiers: ClinVar variation 373682 (VCV000373682.1), dbSNP rs759189106, ClinGen allele CA16043229.

ClinVar aggregate classification (germline): Uncertain significance (1 of 4 stars; one submission).

Submission:

GeneDx
Classification: Uncertain significance. Last evaluated: 2016-12-02. Review status: criteria provided, single submitter. Criteria: GeneDx Variant Classification (06012015). Collection method: clinical testing. Allele origin: germline. Affected: yes.
Comment: The H150D variant in the PLCB4 gene has not been reported previously as a pathogenic variant, nor as a benign variant, to our knowledge. The H150D variant was not observed in approximately 6500 individuals of European and African American ancestry in the NHLBI Exome Sequencing Project, indicating it is not a common benign variant in these populations. The H150D variant is a non-conservative amino acid substitution, which is likely to impact secondary protein structure as these residues differ in polarity, charge, size and/or other properties. While this substitution occurs at a position that is not conserved across species, in silico analysis predicts this variant is probably damaging to the protein structure/function. We interpret H150D as a variant of uncertain significance.